The following is an entry in ClinVar:

NM_000038.6(APC):c.835-6094T>A

Gene: APC (APC regulator of WNT signaling pathway; plus strand). Cytogenetic location: 5q22.2.
Variant type: single nucleotide variant.
Coding change: c.835-6094T>A on transcript NM_000038.6 (MANE Select); 6094 bases into the intron before coding-DNA position 835, T replaced by A.
Molecular consequence: intron variant.
Genome position (GRCh38, 1-based): chr5:112,809,401, T>A. VCF-style: chr5-112809401-T-A. GRCh37 (hg19) VCF-style: chr5-112145098-T-A.
Other names: c.835-6094T>A (NM_001354895.2, NM_001127510.3, NM_001354896.2 and 1 more transcripts); c.865-6094T>A (NM_001354897.2, NM_001354902.2); c.781-6094T>A (NM_001127511.3); c.760-6094T>A (NM_001354898.2, NM_001354904.2); c.-201-725T>A (NM_001354906.2); c.751-6094T>A (NM_001354899.2); c.658-6094T>A (NM_001354900.2, NM_001354901.2, NM_001354905.2).
Identifiers: ClinVar variation 83074 (VCV000083074.2), dbSNP rs75986063, ClinGen allele CA015320.

ClinVar aggregate classification (germline): other (0 of 4 stars; one submission).

Conditions:
Familial colorectal cancer. Identifiers: MedGen CN280943, MONDO:0023113. Disease mechanism: loss of function.

Submission:

Systems Biology Platform Zhejiang California International NanoSystems Institute
Classification: other for Familial colorectal cancer. Review status: no assertion criteria provided. Collection method: not provided. Allele origin: unknown.
ClinVar note: Converted during submission from cancer to other.